The following is an entry in ClinVar:

ClinVar aggregate classification (germline): Likely pathogenic. Review status: criteria provided, multiple submitters, no conflicts (2 of 4 stars). 3 submissions from 3 submitters: Likely pathogenic (3). Last evaluated 2025-06-17.

Conditions:
Rhabdoid tumor predisposition syndrome 2 (RTPS2). Identifiers: Orphanet 231108, Orphanet 69077, MedGen C2750074, MONDO:0013224, OMIM 613325.
SMARCA4-related disorder. Also called: SMARCA4-related condition.

Submissions (3):

St. Jude Molecular Pathology, St. Jude Children's Research Hospital
Classification: Likely pathogenic for Rhabdoid tumor predisposition syndrome 2. Last evaluated: 2025-06-17. Review status: criteria provided, single submitter. Criteria: St. Jude Assertion Criteria 2020. Collection method: clinical testing. Allele origin: germline.
Comment: The SMARCA4 c.3216-2A>G intronic change results in an A to G substitution at the -2 position of intron 23 of the SMARCA4 gene. This variant is predicted to result in aberrant splicing, resulting in nonsense-mediated decay or an abnormal protein product. This variant has been reported in a SMARCA4-deficient undifferentiated urothelial carcinoma (PMID: 38923369). This variant is also absent in gnomAD v2.1.1. In summary, this variant meets criteria to be classified as likely pathogenic.

PreventionGenetics, part of Exact Sciences
Classification: Likely pathogenic for SMARCA4-related condition. Last evaluated: 2025-05-09. Review status: criteria provided, single submitter. Criteria: ACMG Guidelines, 2015. Collection method: clinical testing. Allele origin: germline.
Comment: The SMARCA4 c.3216-2A>G variant is predicted to disrupt the AG splice acceptor site and interfere with normal splicing. To our knowledge, this variant has not been reported in the literature or in a large population database (gnomAD), indicating this variant is rare. Variants that disrupt the consensus splice acceptor site in SMARCA4 are expected to be pathogenic. At the time of reporting, this variant is absent from the ClinVar database. This variant is interpreted as likely pathogenic.

Institute for Genomic Medicine (IGM) Clinical Laboratory, Nationwide Children's Hospital
Classification: Likely pathogenic for Rhabdoid tumor predisposition syndrome 2. Last evaluated: 2024-12-23. Review status: criteria provided, single submitter. Criteria: ACMG Guidelines, 2015. Collection method: clinical testing. Allele origin: germline.
Comment: This variant is predicted to result in loss of function through nonsense-mediated decay of the encoded transcript or premature truncation of the encoded protein in a gene in which loss of function is a known mechanism of disease (ACMG/AMP: PVS1; PMIDs:33907931, 25060813, 20137775). This variant is absent from or present at an exceedingly low frequency in gnomAD, a large-scale control population database (ACMG/AMP: PM2).

Literature cited by the submitters: PubMed 33907931 (cited by Institute for Genomic Medicine (IGM) Clinical Laboratory, Nationwide Children's Hospital); PubMed 25060813 (cited by Institute for Genomic Medicine (IGM) Clinical Laboratory, Nationwide Children's Hospital); PubMed 20137775 (cited by Institute for Genomic Medicine (IGM) Clinical Laboratory, Nationwide Children's Hospital).

NM_003072.5(SMARCA4):c.3216-2A>G

Gene: SMARCA4 (SWI/SNF related BAF chromatin remodeling complex subunit ATPase 4; plus strand). Cytogenetic location: 19p13.2.
Variant type: single nucleotide variant.
Coding change: c.3216-2A>G on transcript NM_003072.5 (MANE Select); the canonical splice acceptor site of the intron before coding-DNA position 3216, A replaced by G.
Molecular consequence: splice acceptor variant.
Genome position (GRCh38, 1-based): chr19:11,027,782, A>G. VCF-style: chr19-11027782-A-G. GRCh37 (hg19) VCF-style: chr19-11138458-A-G.
Other names: c.3216-2A>G (NM_001128849.1, NM_001128844.3, NM_001128849.3 and 7 more transcripts).
Identifiers: ClinVar variation 4056135 (VCV004056135.4).